The following is an entry in ClinVar:

NM_006420.3(ARFGEF2):c.2106G>T (p.Arg702Ser)

Gene: ARFGEF2 (ARF guanine nucleotide exchange factor 2; plus strand). Cytogenetic location: 20q13.13.
Variant type: single nucleotide variant.
Coding change: c.2106G>T on transcript NM_006420.3 (MANE Select); coding-DNA position 2106, G replaced by T.
Protein change: p.Arg702Ser; replaces arginine 702 with serine.
Molecular consequence: missense variant.
Genome position (GRCh38, 1-based): chr20:48,985,443, G>T. VCF-style: chr20-48985443-G-T. GRCh37 (hg19) VCF-style: chr20-47601980-G-T.
Other names: short protein forms R702S.
Identifiers: ClinVar variation 385560 (VCV000385560.2), dbSNP rs1057522261, ClinGen allele CA16608379.

ClinVar aggregate classification (germline): Uncertain significance (1 of 4 stars; one submission).

gnomAD v4.1: 1 of 1,614,164 alleles (0.000062%); highest among the groups gnomAD compares: African/African-American, 0.0013%; no homozygotes.

Submission:

GeneDx
Classification: Uncertain significance. Last evaluated: 2016-04-27. Review status: criteria provided, single submitter. Criteria: GeneDx Variant Classification (06012015). Collection method: clinical testing. Allele origin: germline. Affected: yes.
Comment: A variant of uncertain significance has been identified in the ARFGEF2 gene. The R702S variant has not been published as a pathogenic variant, nor has it been reported as a benign variant to our knowledge. It was not observed in approximately 6,500 individuals of European and African American ancestry in the NHLBI Exome Sequencing Project, indicating it is not a common benign variant in these populations. The R702S variant is a semi-conservative amino acid substitution, which may impact secondary protein structure as these residues differ in some properties. This substitution occurs at a position where amino acids with similar properties to Arginine are tolerated across species. In silico analysis is inconsistent in its predictions as to whether or not the variant is damaging to the protein structure/function. Based on the currently available information, it is unclear whether this variant is a pathogenic variant or a rare benign variant.